The following is an entry in ClinVar:

NM_000523.4(HOXD13):c.170C>T (p.Ala57Val)

Gene: HOXD13 (homeobox D13; plus strand). Cytogenetic location: 2q31.1.
Variant type: single nucleotide variant.
Coding change: c.170C>T on transcript NM_000523.4 (MANE Select); coding-DNA position 170, C replaced by T.
Protein change: p.Ala57Val; replaces alanine 57 with valine.
Molecular consequence: missense variant.
Genome position (GRCh38, 1-based): chr2:176,093,060, C>T. VCF-style: chr2-176093060-C-T. GRCh37 (hg19) VCF-style: chr2-176957788-C-T.
Other names: c.170C>T (NM_000523.3); short protein forms A57V.
Identifiers: ClinVar variation 1392506 (VCV001392506.36), dbSNP rs755283984, ClinGen allele CA1976515.
Genomic context (GRCh38, chr2:176,093,060, plus strand): 5'-CAGGCCAGTGCCGCGGCTTTCTCTCCGCGCCTGTGTTCGCCGGGACGCATTCGGGGCGGG[C>T]GGCGGCGGCGGCAGCGGCGGCTGCGGCGGCGGCGGCGGCAGCCTCCGGCTTTGCGTACCC-3'
Protein context (NP_000514.2, residues 47-67): PVFAGTHSGR[Ala57Val]AAAAAAAAAA

ClinVar aggregate classification (germline): Uncertain significance. Review status: criteria provided, multiple submitters, no conflicts (2 of 4 stars). 4 submissions from 4 submitters: Uncertain significance (4). Last evaluated 2025-02-13.

Conditions:
Inborn genetic diseases. Identifiers: MedGen C0950123, MeSH D030342.
Brachydactyly type D. Also called: STUB THUMB. Identifiers: MedGen C0220664, MONDO:0007222, OMIM 113200, HP:0005627.
Brachydactyly type E1 (BDE1). Identifiers: Orphanet 93387, MedGen C1862102, MONDO:0007223, OMIM 113300.
Brachydactyly-syndactyly syndrome (BDSD). Identifiers: Orphanet 93409, MedGen C1853137, MONDO:0012544, OMIM 610713.
Synpolydactyly type 1. Identifiers: Orphanet 295195, MedGen C5574994, MONDO:0008513, OMIM 186000.
Syndactyly type 5. Also called: Syndactyly with associated metacarpal and metatarsal fusion; Syndactyly, type V; SYNDACTYLY WITH METACARPAL AND METATARSAL FUSION. Identifiers: Orphanet 93406, MedGen C1861348, MONDO:0008516, OMIM 186300.

Allele frequency attached by ClinVar (database versions not stated): TOPMed 0.00005; gnomAD 0.00006 and 0.00007; gnomAD exomes 0.00010; ExAC 0.00032.
gnomAD v4.1: 53 of 1,353,876 alleles (0.0039%); highest among the groups gnomAD compares: South Asian, 0.016%; 1 homozygote.

Submissions (4):

Ambry Genetics
Classification: Uncertain significance for Inborn genetic diseases. Last evaluated: 2025-02-13. Review status: criteria provided, single submitter. Criteria: Ambry Variant Classification Scheme 2023. Collection method: clinical testing. Allele origin: germline.

Labcorp Genetics (formerly Invitae), Labcorp
Classification: Uncertain significance. Last evaluated: 2023-12-06. Review status: criteria provided, single submitter. Criteria: Invitae Variant Classification Sherloc (09022015). Collection method: clinical testing. Allele origin: germline.
Comment: This sequence change replaces alanine, which is neutral and non-polar, with valine, which is neutral and non-polar, at codon 57 of the HOXD13 protein (p.Ala57Val). The frequency data for this variant in the population databases is considered unreliable, as metrics indicate poor data quality at this position in the gnomAD database. This variant has not been reported in the literature in individuals affected with HOXD13-related conditions. ClinVar contains an entry for this variant (Variation ID: 1392506). An algorithm developed to predict the effect of missense changes on protein structure and function (PolyPhen-2) suggests that this variant is likely to be tolerated. In summary, the available evidence is currently insufficient to determine the role of this variant in disease. Therefore, it has been classified as a Variant of Uncertain Significance.

CeGaT Center for Human Genetics Tuebingen
Classification: Uncertain significance. Last evaluated: 2023-02-01. Review status: criteria provided, single submitter. Criteria: CeGaT Center For Human Genetics Tuebingen Variant Classification Criteria Version 2. Collection method: clinical testing. Allele origin: germline. Affected: yes. Observed: 1 variant allele.
Comment: HOXD13: PP3

Fulgent Genetics
Classification: Uncertain significance for Brachydactyly type D; Brachydactyly type E1; Synpolydactyly type 1; Syndactyly type 5; Brachydactyly-syndactyly syndrome. Last evaluated: 2022-04-11. Review status: criteria provided, single submitter. Criteria: ACMG Guidelines, 2015. Collection method: clinical testing. Allele origin: unknown.